The following is an entry in ClinVar:

ClinVar aggregate classification (germline): Uncertain significance. Review status: criteria provided, multiple submitters, no conflicts (2 of 4 stars). 4 submissions from 4 submitters: Uncertain significance (4). Last evaluated 2024-08-30.

Conditions:
Pfeiffer syndrome (ACS5). Also called: ACS V. Identifiers: Orphanet 710, MedGen C0220658, MONDO:0007043, OMIM 101600.
Hypogonadotropic hypogonadism 2 with or without anosmia (HH2). Also called: HYPOGONADOTROPIC HYPOGONADISM 2 WITH OR WITHOUT ANOSMIA, SUSCEPTIBILITY TO; HYPOGONADOTROPIC HYPOGONADISM 2 WITHOUT ANOSMIA, SUSCEPTIBILITY TO; FGFR1-Related GnRH Deficiency (Kallmann Syndrome 2); HYPOGONADOTROPIC HYPOGONADISM 2 WITHOUT ANOSMIA. Identifiers: Orphanet 478, MedGen C1563720, MONDO:0007844, OMIM 147950. Disease mechanism: loss of function.
Hartsfield-Bixler-Demyer syndrome (HRTFDS). Also called: Holoprosencephaly, ectrodactyly, and bilateral cleft lip/palate; Hartsfield syndrome; FGFR1-Related Hartsfield Syndrome. Identifiers: Orphanet 2117, MedGen C1845146, MONDO:0014196, OMIM 615465. Disease mechanism: loss of function.
Trigonocephaly 1 (TRIGNO1). Identifiers: Orphanet 3366, MedGen C0432122, MONDO:0008603, OMIM 190440.
Jackson-Weiss syndrome (JWS). Also called: CRANIOSYNOSTOSIS, MIDFACIAL HYPOPLASIA, AND FOOT ABNORMALITIES. Identifiers: Orphanet 1540, MedGen C0795998, MONDO:0007400, OMIM 123150. Disease mechanism: loss of function.
Encephalocraniocutaneous lipomatosis (ECCL). Identifiers: Orphanet 2396, MedGen C0406612, MONDO:0013074, OMIM 613001.
Osteoglophonic dysplasia (OGD). Also called: Osteoglophonic dwarfism. Identifiers: Orphanet 2645, MedGen C0432283, MONDO:0008150, OMIM 166250.

Allele frequency attached by ClinVar (database versions not stated): gnomAD exomes below 0.00001 and 0.00001; gnomAD 0.00001; TOPMed 0.00001; ExAC 0.00002.
gnomAD v4.1: 7 of 1,614,038 alleles (0.00043%); highest among the groups gnomAD compares: South Asian, 0.0033%; no homozygotes.

Submissions (4):

Labcorp Genetics (formerly Invitae), Labcorp
Classification: Uncertain significance for Pfeiffer syndrome; Hypogonadotropic hypogonadism 2 with or without anosmia. Last evaluated: 2024-08-30. Review status: criteria provided, single submitter. Criteria: Invitae Variant Classification Sherloc (09022015). Collection method: clinical testing. Allele origin: germline.
Comment: This sequence change replaces arginine, which is basic and polar, with tryptophan, which is neutral and slightly polar, at codon 445 of the FGFR1 protein (p.Arg445Trp). This variant is present in population databases (rs781608303, gnomAD 0.005%). This missense change has been observed in individual(s) with clinical features of FGFR1-related conditions (PMID: 30143558). This variant is also known as c.1426C>T, p.Arg476Trp. ClinVar contains an entry for this variant (Variation ID: 1308343). Invitae Evidence Modeling of protein sequence and biophysical properties (such as structural, functional, and spatial information, amino acid conservation, physicochemical variation, residue mobility, and thermodynamic stability) has been performed for this missense variant. However, the output from this modeling did not meet the statistical confidence thresholds required to predict the impact of this variant on FGFR1 protein function. In summary, the available evidence is currently insufficient to determine the role of this variant in disease. Therefore, it has been classified as a Variant of Uncertain Significance.

Women's Health and Genetics/Laboratory Corporation of America, LabCorp
Classification: Uncertain significance. Last evaluated: 2023-11-10. Review status: criteria provided, single submitter. Criteria: LabCorp Variant Classification Summary - May 2015. Collection method: clinical testing. Allele origin: germline.
Comment: Variant summary: FGFR1 c.1333C>T (p.Arg445Trp) results in a non-conservative amino acid change in the encoded protein sequence. Five of five in-silico tools predict a damaging effect of the variant on protein function. The variant allele was found at a frequency of 1.2e-05 in 249416 control chromosomes (gnomAD). The available data on variant occurrences in the general population are insufficient to allow any conclusion about variant significance. c.1333C>T has been reported in the literature in at least one individual affected with Congenital anomalies of the kidney and urinary tract (van der Ven_2018). The report does not provide unequivocal conclusions about association of the variant with FGFR1-Related Disorders. To our knowledge, no experimental evidence demonstrating an impact on protein function has been reported. The following publication have been ascertained in the context of this evaluation (PMID: 30143558). Two submitters have cited clinical-significance assessments for this variant to ClinVar after 2014. All submitters classified the variant as uncertain significance. Based on the evidence outlined above, the variant was classified as uncertain significance.

Fulgent Genetics
Classification: Uncertain significance for Pfeiffer syndrome; Jackson-Weiss syndrome; Hypogonadotropic hypogonadism 2 with or without anosmia; Osteoglophonic dysplasia; Trigonocephaly 1; Encephalocraniocutaneous lipomatosis; Hartsfield-Bixler-Demyer syndrome. Last evaluated: 2022-05-31. Review status: criteria provided, single submitter. Criteria: ACMG Guidelines, 2015. Collection method: clinical testing. Allele origin: unknown.

GeneDx
Classification: Uncertain significance. Last evaluated: 2019-03-08. Review status: criteria provided, single submitter. Criteria: GeneDx Variant Classification Process June 2021. Collection method: clinical testing. Allele origin: germline. Affected: yes.
Comment: Has been previously published in association with congenital anomalies of the kidney and urinary tract however, this publication is unavailable to GeneDx (van der Ven et al., 2018); In silico analysis, which includes protein predictors and evolutionary conservation, supports a deleterious effect; This variant is associated with the following publications: (PMID: 30143558)

Literature cited by the submitters: PubMed 30143558 (cited by Labcorp Genetics (formerly Invitae), Labcorp and Women's Health and Genetics/Laboratory Corporation of America, LabCorp).

NM_023110.3(FGFR1):c.1333C>T (p.Arg445Trp)

Gene: FGFR1 (fibroblast growth factor receptor 1; minus strand). Cytogenetic location: 8p11.23.
Variant type: single nucleotide variant.
Coding change: c.1333C>T on transcript NM_023110.3 (MANE Select); coding-DNA position 1333, C replaced by T.
Protein change: p.Arg445Trp; replaces arginine 445 with tryptophan.
Molecular consequence: missense variant.
Genome position (GRCh38, 1-based): chr8:38,418,325, G>A on the plus strand (C>T on the coding strand, the complement: FGFR1 is on the minus strand). VCF-style: chr8-38418325-G-A. GRCh37 (hg19) VCF-style: chr8-38275843-G-A.
Other names: c.1327C>T, p.Arg443Trp (NM_001354367.2, NM_015850.4, NM_001174063.2 and 1 more transcripts); c.1054C>T, p.Arg352Trp (NM_001354368.2); c.1321C>T, p.Arg441Trp (NM_001354369.2); c.1060C>T, p.Arg354Trp (NM_001354370.2, NM_023106.3); c.1066C>T, p.Arg356Trp (NM_023105.3, NM_001174066.2); c.1303C>T, p.Arg435Trp (NM_001174064.2); c.1426C>T, p.Arg476Trp (NM_001174067.2); short protein forms R352W, R354W, R356W, R435W, R441W, R443W, R445W, R476W.
Identifiers: ClinVar variation 1308343 (VCV001308343.7), dbSNP rs781608303, ClinGen allele CA4718412.
Genomic context (GRCh38, chr8:38,418,325, plus strand): 5'-GCTCATACTCAGAGACCCCTGCTAGCATGGGAGTCCCACTGGAGGAGAGCCGTGATGGCC[G>A]AACCAGAAGAACCCCAGAGTTCATGGATGCACTGGAGTCAGCAGACACCTGCAAGGAAGA-3'
Protein context (NP_075598.2, residues 435-455): ASMNSGVLLV[Arg445Trp]PSRLSSSGTP